The following is an entry in ClinVar:

ClinVar aggregate classification (germline): Uncertain significance. Review status: criteria provided, multiple submitters, no conflicts (2 of 4 stars). 2 submissions from 2 submitters: Uncertain significance (2). Last evaluated 2024-01-24.

Conditions:
Hereditary cancer-predisposing syndrome. Also called: Tumor predisposition; Hereditary neoplastic syndrome; Neoplastic Syndromes, Hereditary; Hereditary Cancer Syndrome. Identifiers: Orphanet 140162, MedGen C0027672, MeSH D009386, MONDO:0015356.
Familial cancer of breast. Also called: BREAST CANCER, FAMILIAL; hereditary breast carcinoma; Hereditary breast cancer. Identifiers: Orphanet 227535, MedGen C0346153, MONDO:0016419, OMIM 114480. Disease mechanism: loss of function.

Submissions (2):

Labcorp Genetics (formerly Invitae), Labcorp
Classification: Uncertain significance for Familial cancer of breast. Last evaluated: 2024-01-24. Review status: criteria provided, single submitter. Criteria: Invitae Variant Classification Sherloc (09022015). Collection method: clinical testing. Allele origin: germline.
Comment: This sequence change replaces aspartic acid, which is acidic and polar, with valine, which is neutral and non-polar, at codon 496 of the PALB2 protein (p.Asp496Val). This variant is not present in population databases (gnomAD no frequency). This variant has not been reported in the literature in individuals affected with PALB2-related conditions. ClinVar contains an entry for this variant (Variation ID: 665184). An algorithm developed to predict the effect of missense changes on protein structure and function (PolyPhen-2) suggests that this variant is likely to be disruptive. In summary, the available evidence is currently insufficient to determine the role of this variant in disease. Therefore, it has been classified as a Variant of Uncertain Significance.

Ambry Genetics
Classification: Uncertain significance for Hereditary cancer-predisposing syndrome. Last evaluated: 2022-10-02. Review status: criteria provided, single submitter. Criteria: Ambry Variant Classification Scheme 2023. Collection method: clinical testing. Allele origin: germline.
Comment: The p.D496V variant (also known as c.1487A>T), located in coding exon 4 of the PALB2 gene, results from an A to T substitution at nucleotide position 1487. The aspartic acid at codon 496 is replaced by valine, an amino acid with highly dissimilar properties. This amino acid position is conserved. In addition, this alteration is predicted to be tolerated by in silico analysis. Since supporting evidence is limited at this time, the clinical significance of this alteration remains unclear.

NM_024675.4(PALB2):c.1487A>T (p.Asp496Val)

Gene: PALB2 (partner and localizer of BRCA2; minus strand). Cytogenetic location: 16p12.2.
Variant type: single nucleotide variant.
Coding change: c.1487A>T on transcript NM_024675.4 (MANE Select); coding-DNA position 1487, A replaced by T.
Protein change: p.Asp496Val; replaces aspartic acid 496 with valine.
Molecular consequence: missense variant.
Genome position (GRCh38, 1-based): chr16:23,635,059, T>A on the plus strand (A>T on the coding strand, the complement: PALB2 is on the minus strand). VCF-style: chr16-23635059-T-A. GRCh37 (hg19) VCF-style: chr16-23646380-T-A.
Other names: short protein forms D496V.
Identifiers: ClinVar variation 665184 (VCV000665184.14), dbSNP rs786204228, ClinGen allele CA395131108.